The following is an entry in ClinVar:

NM_001378609.3(OTOGL):c.236-10T>C

Gene: OTOGL (otogelin like; plus strand). Cytogenetic location: 12q21.31.
Variant type: single nucleotide variant.
Coding change: c.236-10T>C on transcript NM_001378609.3 (MANE Select); 10 bases into the intron before coding-DNA position 236, T replaced by C.
Molecular consequence: intron variant.
Genome position (GRCh38, 1-based): chr12:80,219,804, T>C. VCF-style: chr12-80219804-T-C. GRCh37 (hg19) VCF-style: chr12-80613584-T-C.
Other names: c.236-10T>C (NM_001368062.3, NM_001378610.3, NM_173591.7).
Identifiers: ClinVar variation 669384 (VCV000669384.13), dbSNP rs769949412, ClinGen allele CA6700114.

ClinVar aggregate classification (germline): Likely benign. Review status: criteria provided, multiple submitters, no conflicts (2 of 4 stars). 4 submissions from 4 submitters: Likely benign (3). 1 of the submissions does not count toward it. Last evaluated 2025-12-14.

Conditions:
OTOGL-related disorder. Also called: OTOGL-related condition.

Allele frequency attached by ClinVar (database versions not stated): gnomAD 0.00109 and 0.00128; ExAC 0.00239; gnomAD exomes 0.00239.
gnomAD v4.1: 2,224 of 1,500,542 alleles (0.15%); highest among the groups gnomAD compares: South Asian, 1%; 9 homozygotes.

Submissions (4):

Labcorp Genetics (formerly Invitae), Labcorp
Classification: Likely benign. Last evaluated: 2025-12-14. Review status: criteria provided, single submitter. Criteria: Invitae Variant Classification Sherloc (09022015). Collection method: clinical testing. Allele origin: germline.

GeneDx
Classification: Likely benign. Last evaluated: 2018-04-24. Review status: criteria provided, single submitter. Criteria: GeneDx Variant Classification (06012015). Collection method: clinical testing. Allele origin: germline. Affected: yes.
Comment: This variant is considered likely benign or benign based on one or more of the following criteria: it is a conservative change, it occurs at a poorly conserved position in the protein, it is predicted to be benign by multiple in silico algorithms, and/or has population frequency not consistent with disease.

Breakthrough Genomics
Classification: Likely benign. Review status: criteria provided, single submitter. Criteria: ACMG Guidelines, 2015. Collection method: not provided. Allele origin: germline. Inheritance: Autosomal recessive inheritance. Affected: yes.

PreventionGenetics, part of Exact Sciences
Classification: Benign for OTOGL-related condition. Last evaluated: 2019-05-10. Review status: no assertion criteria provided. Collection method: clinical testing. Allele origin: germline. Not counted in ClinVar's aggregate classification.
Comment: This variant is classified as benign based on ACMG/AMP sequence variant interpretation guidelines (Richards et al. 2015 PMID: 25741868, with internal and published modifications).